The following is an entry in ClinVar:

NM_000117.3(EMD):c.377A>G (p.Asp126Gly)

Gene: EMD (emerin; plus strand). Cytogenetic location: Xq28.
Variant type: single nucleotide variant.
Coding change: c.377A>G on transcript NM_000117.3 (MANE Select); coding-DNA position 377, A replaced by G.
Protein change: p.Asp126Gly; replaces aspartic acid 126 with glycine.
Molecular consequence: missense variant.
Genome position (GRCh38, 1-based): chrX:154,380,345, A>G. VCF-style: chrX-154380345-A-G. GRCh37 (hg19) VCF-style: chrX-153608705-A-G.
Other names: short protein forms D126G.
Identifiers: ClinVar variation 2812930 (VCV002812930.4), dbSNP rs2522788971, ClinGen allele CA415258023.
Genomic context (GRCh38, chrX:154,380,345, plus strand): 5'-GGGAGCCCGAGTCTGCCGGCCCGTCCAGGGCTGTCCGCCAGTCAGTGACTTCATTCCCAG[A>G]TGCTGACGCTTTCCATCACCAGGTGAGCTGGCTGGCAGGCGTCCTGTACTTGGGTACAAC-3'
Protein context (NP_000108.1, residues 116-136): AVRQSVTSFP[Asp126Gly]ADAFHHQVHD

ClinVar aggregate classification (germline): Uncertain significance. Review status: criteria provided, single submitter (1 of 4 stars). 2 submissions from 2 submitters: Uncertain significance (1). 1 of the submissions does not count toward it. Last evaluated 2023-02-17.

Conditions:
Emery-Dreifuss muscular dystrophy (EDMD). Also called: Scapuloperoneal syndrome, X-linked (formerly); Humeroperoneal neuromuscular disease, (formerly). Identifiers: Orphanet 261, MedGen C0410189, MONDO:0016830.
X-linked Emery-Dreifuss muscular dystrophy. Also called: Muscular dystrophy, tardive Emery-Dreifuss type, with contractures. Identifiers: Orphanet 261, Orphanet 98863, MedGen C0751337, MONDO:0010680.

Submissions (2):

Labcorp Genetics (formerly Invitae), Labcorp
Classification: Uncertain significance for X-linked Emery-Dreifuss muscular dystrophy. Last evaluated: 2023-02-17. Review status: criteria provided, single submitter. Criteria: Invitae Variant Classification Sherloc (09022015). Collection method: clinical testing. Allele origin: germline.
Comment: This variant is not present in population databases (gnomAD no frequency). This variant has not been reported in the literature in individuals affected with EMD-related conditions. Advanced modeling of protein sequence and biophysical properties (such as structural, functional, and spatial information, amino acid conservation, physicochemical variation, residue mobility, and thermodynamic stability) performed at Invitae indicates that this missense variant is not expected to disrupt EMD protein function. In summary, the available evidence is currently insufficient to determine the role of this variant in disease. Therefore, it has been classified as a Variant of Uncertain Significance. This sequence change replaces aspartic acid, which is acidic and polar, with glycine, which is neutral and non-polar, at codon 126 of the EMD protein (p.Asp126Gly).

Natera, Inc.
Classification: Uncertain significance for Emery-Dreifuss muscular dystrophy. Last evaluated: 2025-04-02. Review status: no assertion criteria provided. Collection method: clinical testing. Allele origin: germline. Not counted in ClinVar's aggregate classification.